The following is an entry in ClinVar:

ClinVar aggregate classification (germline): Pathogenic/Likely pathogenic. Review status: criteria provided, multiple submitters, no conflicts (2 of 4 stars). 2 submissions from 2 submitters: Pathogenic (1); Likely pathogenic (1). Last evaluated 2025-07-25.

Conditions:
Metachromatic leukodystrophy (MLD). Also called: ARSA DEFICIENCY; CEREBROSIDE SULFATASE DEFICIENCY; METACHROMATIC LEUKOENCEPHALOPATHY; SULFATIDE LIPIDOSIS; Cerebral sclerosis diffuse metachromatic form; Arylsulfatase A Deficiency. Identifiers: Orphanet 512, MedGen C0023522, MONDO:0018868, OMIM 250100.

Submissions (2):

Natera, Inc.
Classification: Likely pathogenic for Metachromatic leukodystrophy. Last evaluated: 2025-07-25. Review status: criteria provided, single submitter. Criteria: Natera Variant Classification Schema (03/2026). Collection method: clinical testing. Allele origin: germline.
Comment: The c.737_744dup variant in ARSA is a frameshift variant predicted to shift the reading frame beginning at codon 249 and leads to a stop codon 8 codons downstream. This variant is expected to result in nonsense mediated decay, truncation, or a dysfunctional protein product. This variant is rare in the general population with a frequency below the threshold expected for the associated phenotype(s). Given the available evidence, this variant is classified as Likely Pathogenic.

Labcorp Genetics (formerly Invitae), Labcorp
Classification: Pathogenic for Metachromatic leukodystrophy. Last evaluated: 2023-01-11. Review status: criteria provided, single submitter. Criteria: Invitae Variant Classification Sherloc (09022015). Collection method: clinical testing. Allele origin: germline.
Comment: For these reasons, this variant has been classified as Pathogenic. This variant has not been reported in the literature in individuals affected with ARSA-related conditions. This variant is not present in population databases (gnomAD no frequency). This sequence change creates a premature translational stop signal (p.Phe249Alafs*8) in the ARSA gene. It is expected to result in an absent or disrupted protein product. Loss-of-function variants in ARSA are known to be pathogenic (PMID: 8962139, 10477432).

Literature cited by the submitters: PubMed 8962139 (cited by Labcorp Genetics (formerly Invitae), Labcorp); PubMed 10477432 (cited by Labcorp Genetics (formerly Invitae), Labcorp).

NM_000487.6(ARSA):c.737_744dup (p.Phe249fs)

Gene: ARSA (arylsulfatase A; minus strand). Cytogenetic location: 22q13.33.
Variant type: Duplication.
Coding change: c.737_744dup on transcript NM_000487.6 (MANE Select); coding-DNA positions 737 to 744, 8 bases duplicated (GCGGGCCA; older notation c.737_744dupGCGGGCCA).
Protein change: p.Phe249fs; shifts the reading frame from phenylalanine 249.
Molecular consequence: frameshift variant.
Genome position (GRCh38, 1-based): chr22:50,626,701-50,626,708, TGGCCCGC duplicated on the plus strand (GCGGGCCA on the coding strand, the reverse complement: ARSA is on the minus strand). VCF-style (leftmost placement, unchanged base first): chr22-50626700-A-ATGGCCCGC. GRCh37 (hg19) VCF-style: chr22-51065128-A-ATGGCCCGC.
Other names: c.737_744dup, p.Phe249fs (NM_001085425.3, NM_001085426.3, NM_001085427.3); c.479_486dup, p.Phe163fs (NM_001085428.3, NM_001362782.2); c.737_744dup (NM_000487.5); short protein forms F163fs, F249fs.
Identifiers: ClinVar variation 2736449 (VCV002736449.4), dbSNP rs2518329837, ClinGen allele CA2697552826.
Genomic context (GRCh38, chr22:50,626,700, plus strand): 5'-CCCCTATGGCTGTCATCAGGGTCCCCACAGCTGCATCCAGCTCCATCAGGGAGTCCCCAA[A>ATGGCCCGC]TGGCCCGCGGCCTGAACGCTCTGCAAAGCTCTGCCCACTGAACTGAGGGTAGTGGGTGTG-3'